The following is an entry in ClinVar:

ClinVar aggregate classification (germline): Uncertain significance (1 of 4 stars; one submission).

Conditions:
Pulmonary fibrosis and/or bone marrow failure, Telomere-related, 3. Also called: PULMONARY FIBROSIS AND/OR BONE MARROW FAILURE SYNDROME, TELOMERE-RELATED, 3. Identifiers: Orphanet 2032, MedGen C4225346, MONDO:0014613, OMIM 616373.
Dyskeratosis congenita, autosomal recessive 5 (DKCB5). Identifiers: MedGen C3554656, MONDO:0014076, OMIM 615190.

gnomAD v4.1: 1 of 1,612,586 alleles (0.000062%); highest among the groups gnomAD compares: Non-Finnish European, 0.000085%; no homozygotes.

Submission:

Labcorp Genetics (formerly Invitae), Labcorp
Classification: Uncertain significance for Dyskeratosis congenita, autosomal recessive 5; Pulmonary fibrosis and/or bone marrow failure, Telomere-related, 3. Last evaluated: 2025-11-05. Review status: criteria provided, single submitter. Criteria: Invitae Variant Classification Sherloc (09022015). Collection method: clinical testing. Allele origin: germline.
Comment: This sequence change affects codon 574 of the RTEL1 mRNA. It is a 'silent' change, meaning that it does not change the encoded amino acid sequence of the RTEL1 protein. This variant also falls at the last nucleotide of exon 20, which is part of the consensus splice site for this exon. This variant is not present in population databases (gnomAD no frequency). This variant has not been reported in the literature in individuals affected with RTEL1-related conditions. Variants that disrupt the consensus splice site are a relatively common cause of aberrant splicing (PMID: 17576681, 9536098). Algorithms developed to predict the effect of sequence changes on RNA splicing suggest that this variant may disrupt the consensus splice site. In summary, the available evidence is currently insufficient to determine the role of this variant in disease. Therefore, it has been classified as a Variant of Uncertain Significance.

Literature cited by the submitters: PubMed 17576681; PubMed 9536098.

NM_001283009.2(RTEL1):c.1722G>C (p.Arg574=)

Genes: RTEL1 (regulator of telomere elongation helicase 1; plus strand), RTEL1-TNFRSF6B (RTEL1-TNFRSF6B readthrough (NMD candidate); plus strand). Cytogenetic location: 20q13.33.
Variant type: single nucleotide variant.
Coding change: c.1722G>C on transcript NM_001283009.2 (MANE Select); coding-DNA position 1722, G replaced by C.
Protein change: p.Arg574=; no amino-acid change (arginine 574 retained).
Molecular consequence: synonymous variant. On other transcripts: non-coding transcript variant (1).
Genome position (GRCh38, 1-based): chr20:63,688,386, G>C. VCF-style: chr20-63688386-G-C. GRCh37 (hg19) VCF-style: chr20-62319739-G-C.
Other names: c.1053G>C, p.Arg351= (NM_001283010.1); c.1722G>C, p.Arg574= (NM_016434.4); c.1794G>C, p.Arg598= (NM_032957.5).
Identifiers: ClinVar variation 4794770 (VCV004794770.1).